The following is an entry in ClinVar:

ClinVar aggregate classification (germline): Uncertain significance (1 of 4 stars; one submission).

Conditions:
Familial thoracic aortic aneurysm and aortic dissection (TAAD). Also called: Thoracic aortic aneurysms and dissections. Identifiers: Orphanet 91387, MedGen C4707243, MONDO:0019625.

Submission:

Ambry Genetics
Classification: Uncertain significance for Familial thoracic aortic aneurysm and aortic dissection. Last evaluated: 2017-05-09. Review status: criteria provided, single submitter. Criteria: Ambry Variant Classification Scheme 2023. Collection method: clinical testing. Allele origin: germline.
Comment: The p.G1684R variant (also known as c.5050G>A), located in coding exon 40 of the FBN1 gene, results from a G to A substitution at nucleotide position 5050. The glycine at codon 1684 is replaced by arginine, an amino acid with dissimilar properties, and is located in the cb EGF-like #24 domain. This amino acid position is highly conserved in available vertebrate species. In addition, this alteration is predicted to be deleterious by in silico analysis. Since supporting evidence is limited at this time, the clinical significance of this alteration remains unclear.

NM_000138.5(FBN1):c.5050G>A (p.Gly1684Arg)

Gene: FBN1 (fibrillin 1; minus strand). Cytogenetic location: 15q21.1.
Variant type: single nucleotide variant.
Coding change: c.5050G>A on transcript NM_000138.5 (MANE Select); coding-DNA position 5050, G replaced by A.
Protein change: p.Gly1684Arg; replaces glycine 1684 with arginine.
Molecular consequence: missense variant.
Genome position (GRCh38, 1-based): chr15:48,463,914, C>T on the plus strand (G>A on the coding strand, the complement: FBN1 is on the minus strand). VCF-style: chr15-48463914-C-T. GRCh37 (hg19) VCF-style: chr15-48756111-C-T.
Other names: short protein forms G1684R.
Identifiers: ClinVar variation 519774 (VCV000519774.5), dbSNP rs1555396841, ClinGen allele CA392349617.
Genomic context (GRCh38, chr15:48,463,914, plus strand): 5'-TAGATGAGAACCAAACATGCATTACTGAGAAAAGCTTGGACTTACCCATGCAATTATTTC[C>T]CCCATTCACTTGCATGTAGTCTGGAGGACAGATACAGGTGTAGTTGCCAACGGTGTTGTA-3'
Protein context (NP_000129.3, residues 1674-1694): CPPDYMQVNG[Gly1684Arg]NNCMDMRRSL